The following is an entry in ClinVar:

ClinVar aggregate classification (germline): Conflicting classifications of pathogenicity. Review status: criteria provided, conflicting classifications (1 of 4 stars). 3 submissions from 3 submitters: Likely pathogenic (1); Uncertain significance (1). 1 of the submissions does not count toward it. Last evaluated 2025-02-26.

Conditions:
Tall stature-scoliosis-macrodactyly of the great toes syndrome. Also called: Epiphyseal chondrodysplasia, miura type. Identifiers: Orphanet 329191, MedGen C4014690, MONDO:0014401, OMIM 615923.
Acromesomelic dysplasia 1, Maroteaux type (AMD1). Also called: ST. HELENA DYSPLASIA; ACROMESOMELIC DYSPLASIA 1. Identifiers: Orphanet 40, MedGen C1864356, MONDO:0011275, OMIM 602875.

Allele frequency attached by ClinVar (database versions not stated): TOPMed below 0.00001.

Submissions (3):

GeneDx
Classification: Likely pathogenic. Last evaluated: 2025-02-26. Review status: criteria provided, single submitter. Criteria: GeneDx Variant Classification Process June 2021. Collection method: clinical testing. Allele origin: germline. Affected: yes.
Comment: Published functional studies demonstrate that this variant results in impaired membrane localization of the protein, retention in the endoplasmic reticulum and impaired guanylate cyclase activity (PMID: 18945719); In silico analysis supports that this missense variant has a deleterious effect on protein structure/function; Not observed at significant frequency in large population cohorts (gnomAD); This variant is associated with the following publications: (PMID: 30016695, 31990356, 30602027, 15146390, 18945719)

Labcorp Genetics (formerly Invitae), Labcorp
Classification: Uncertain significance for Tall stature-scoliosis-macrodactyly of the great toes syndrome; Acromesomelic dysplasia 1, Maroteaux type. Last evaluated: 2024-12-23. Review status: criteria provided, single submitter. Criteria: Invitae Variant Classification Sherloc (09022015). Collection method: clinical testing. Allele origin: germline.
Comment: This sequence change replaces proline, which is neutral and non-polar, with threonine, which is neutral and polar, at codon 32 of the NPR2 protein (p.Pro32Thr). This variant is not present in population databases (gnomAD no frequency). This missense change has been observed in individual(s) with acromesomelic dysplasia and/or short stature (PMID: 15146390, 30602027). ClinVar contains an entry for this variant (Variation ID: 17784). An algorithm developed to predict the effect of missense changes on protein structure and function (PolyPhen-2) suggests that this variant is likely to be tolerated. Experimental studies have shown that this missense change affects NPR2 function (PMID: 18945719). In summary, the available evidence is currently insufficient to determine the role of this variant in disease. Therefore, it has been classified as a Variant of Uncertain Significance.

OMIM
Classification: Pathogenic for ACROMESOMELIC DYSPLASIA 1. Last evaluated: 2004-07-01. Review status: no assertion criteria provided. Collection method: literature only. Allele origin: germline. Not counted in ClinVar's aggregate classification.

Literature cited by the submitters: PubMed 15146390 (cited by Labcorp Genetics (formerly Invitae), Labcorp and OMIM); PubMed 30602027 (cited by Labcorp Genetics (formerly Invitae), Labcorp); PubMed 18945719 (cited by Labcorp Genetics (formerly Invitae), Labcorp).

NM_003995.4(NPR2):c.94C>A (p.Pro32Thr)

Gene: NPR2 (natriuretic peptide receptor 2; plus strand). Cytogenetic location: 9p13.3.
Variant type: single nucleotide variant.
Coding change: c.94C>A on transcript NM_003995.4 (MANE Select); coding-DNA position 94, C replaced by A.
Protein change: p.Pro32Thr; replaces proline 32 with threonine.
Molecular consequence: missense variant.
Genome position (GRCh38, 1-based): chr9:35,792,502, C>A. VCF-style: chr9-35792502-C-A. GRCh37 (hg19) VCF-style: chr9-35792499-C-A.
Other names: c.94C>A, p.Pro32Thr (NM_001378923.1); c.94C>A (NM_003995.3); short protein forms P32T.
Identifiers: ClinVar variation 17784 (VCV000017784.5), dbSNP rs28931581, ClinGen allele CA250692.